The following is an entry in ClinVar:

ClinVar aggregate classification (germline): Uncertain significance. Review status: criteria provided, multiple submitters, no conflicts (2 of 4 stars). 4 submissions from 4 submitters: Uncertain significance (4). Last evaluated 2025-12-03.

Conditions:
Basal cell carcinoma, susceptibility to, 1. Also called: BCC1. Identifiers: MedGen C2751544, MONDO:0011556, OMIM 605462.
Gorlin syndrome. Also called: Basal cell nevus syndrome; Nevoid Basal Cell Carcinoma Syndrome. Identifiers: Orphanet 377, MedGen C0004779, MONDO:0007187.
Holoprosencephaly 7 (HPE7). Identifiers: Orphanet 2162, MedGen C1835820, MONDO:0012562, OMIM 610828.
Hereditary cancer-predisposing syndrome. Also called: Hereditary neoplastic syndrome; Tumor predisposition; Hereditary Cancer Syndrome; Neoplastic Syndromes, Hereditary. Identifiers: Orphanet 140162, MedGen C0027672, MeSH D009386, MONDO:0015356.
Basal cell nevus syndrome 1 (BCNS1). Also called: GORLIN-GOLTZ SYNDROME; MULTIPLE BASAL CELL NEVI, ODONTOGENIC KERATOCYSTS, AND SKELETAL ANOMALIES. Identifiers: MedGen CN376810, MONDO:0958174, OMIM 109400.

Allele frequency attached by ClinVar (database versions not stated): gnomAD exomes below 0.00001; gnomAD 0.00001; TOPMed 0.00001.
gnomAD v4.1: 10 of 1,614,128 alleles (0.00062%); highest among the groups gnomAD compares: Non-Finnish European, 0.00068%; no homozygotes.

Submissions (4):

Labcorp Genetics (formerly Invitae), Labcorp
Classification: Uncertain significance for Gorlin syndrome. Last evaluated: 2025-12-03. Review status: criteria provided, single submitter. Criteria: Invitae Variant Classification Sherloc (09022015). Collection method: clinical testing. Allele origin: germline.
Comment: This sequence change replaces serine, which is neutral and polar, with arginine, which is basic and polar, at codon 892 of the PTCH1 protein (p.Ser892Arg). This variant is not present in population databases (gnomAD no frequency). This variant has not been reported in the literature in individuals affected with PTCH1-related conditions. ClinVar contains an entry for this variant (Variation ID: 579383). Invitae Evidence Modeling of protein sequence and biophysical properties (such as structural, functional, and spatial information, amino acid conservation, physicochemical variation, residue mobility, and thermodynamic stability) indicates that this missense variant is not expected to disrupt PTCH1 protein function with a negative predictive value of 95%. In summary, the available evidence is currently insufficient to determine the role of this variant in disease. Therefore, it has been classified as a Variant of Uncertain Significance.

Ambry Genetics
Classification: Uncertain significance for Hereditary cancer-predisposing syndrome. Last evaluated: 2025-11-13. Review status: criteria provided, single submitter. Criteria: Ambry Variant Classification Scheme 2023. Collection method: clinical testing. Allele origin: germline.

Fulgent Genetics
Classification: Uncertain significance for Basal cell nevus syndrome 1; Basal cell carcinoma, susceptibility to, 1; Holoprosencephaly 7. Last evaluated: 2022-03-04. Review status: criteria provided, single submitter. Criteria: ACMG Guidelines, 2015. Collection method: clinical testing. Allele origin: unknown.

Victorian Clinical Genetics Services, Murdoch Childrens Research Institute
Classification: Uncertain significance for Basal cell nevus syndrome 1. Last evaluated: 2022-02-02. Review status: criteria provided, single submitter. Criteria: ACMG Guidelines, 2015. Collection method: clinical testing. Allele origin: germline. Inheritance: Autosomal dominant inheritance. Affected: yes.
Comment: Based on the classification scheme VCGS_Germline_v1.3.4, this variant is classified as VUS-3B. Following criteria are met: 0102 - Loss of function is a known mechanism of disease in this gene and is associated with basal cell nevus syndrome (MIM#109400) and holoprosencephaly 7 (MIM#610828). (I) 0107 - This gene is associated with autosomal dominant disease. (I) 0115 - Variants in this gene are known to have variable expressivity in basal cell nevus syndrome patients (OMIM, PMID: 30411536). (I) 0200 - Variant is predicted to result in a missense amino acid change from serine to arginine. (I) 0251 - This variant is heterozygous. (I) 0302 - Variant is present in gnomAD (v3) <0.001 for a dominant condition (2 heterozygotes, 0 homozygotes). (SP) 0502 - Missense variant with conflicting in silico predictions and uninformative conservation. (I) 0604 - Variant is not located in an established domain, motif, hotspot or informative constraint region. (I) 0705 - No comparable missense variants have previous evidence for pathogenicity. (I) 0804 - This variant has previously been described as a variant of uncertain significance in one individual with Gorling syndrome (ClinVar). (I) 0905 - No published segregation evidence has been identified for this variant. (I) 1007 - No published functional evidence has been identified for this variant. (I) Legend: (SP) - Supporting pathogenic, (I) - Information, (SB) - Supporting benign

Literature cited by the submitters: PubMed 30411536 (cited by Victorian Clinical Genetics Services, Murdoch Childrens Research Institute).

NM_000264.5(PTCH1):c.2676C>G (p.Ser892Arg)

Gene: PTCH1 (patched 1; minus strand). Cytogenetic location: 9q22.32.
Variant type: single nucleotide variant.
Coding change: c.2676C>G on transcript NM_000264.5 (MANE Select); coding-DNA position 2676, C replaced by G.
Protein change: p.Ser892Arg; replaces serine 892 with arginine.
Molecular consequence: missense variant. On other transcripts: non-coding transcript variant (1).
Genome position (GRCh38, 1-based): chr9:95,461,883, G>C on the plus strand (C>G on the coding strand, the complement: PTCH1 is on the minus strand). VCF-style: chr9-95461883-G-C. GRCh37 (hg19) VCF-style: chr9-98224165-G-C.
Other names: c.2478C>G, p.Ser826Arg (NM_001083602.3); c.2673C>G, p.Ser891Arg (NM_001083603.3); c.2223C>G, p.Ser741Arg (NM_001083604.3, NM_001083605.3, NM_001083606.3 and 1 more transcripts); c.2520C>G, p.Ser840Arg (NM_001354918.2); short protein forms S892R, S826R, S741R, S840R, S891R.
Identifiers: ClinVar variation 579383 (VCV000579383.15), dbSNP rs1427672162, ClinGen allele CA374113333.